The following is an entry in ClinVar:

NM_015335.5(MED13L):c.155A>G (p.Gln52Arg)

Gene: MED13L (mediator complex subunit 13L; minus strand). Cytogenetic location: 12q24.21.
Variant type: single nucleotide variant.
Coding change: c.155A>G on transcript NM_015335.5 (MANE Select); coding-DNA position 155, A replaced by G.
Protein change: p.Gln52Arg; replaces glutamine 52 with arginine.
Molecular consequence: missense variant.
Genome position (GRCh38, 1-based): chr12:116,237,623, T>C on the plus strand (A>G on the coding strand, the complement: MED13L is on the minus strand). VCF-style: chr12-116237623-T-C. GRCh37 (hg19) VCF-style: chr12-116675428-T-C.
Other names: short protein forms Q52R.
Identifiers: ClinVar variation 3600645 (VCV003600645.1).
Genomic context (GRCh38, chr12:116,237,623, plus strand): 5'-CATACACAAAGCAGGTTAGCTTGCAGACAGCGGATGAAACTTAACAGAATTGGATCATCT[T>C]GGGCTGGGGCTGAAATTATGGGTCCACAGTCCCCATGCCCTCCAAAATTGTACCTACGCC-3'
Protein context (NP_056150.1, residues 42-62): DCGPIISAPA[Gln52Arg]DDPILLSFIR

ClinVar aggregate classification (germline): Uncertain significance (1 of 4 stars; one submission).

gnomAD v4.1: 3 of 1,614,176 alleles (0.00019%); highest among the groups gnomAD compares: East Asian, 0.0022%; no homozygotes.

Submission:

GeneDx
Classification: Uncertain significance. Last evaluated: 2024-07-24. Review status: criteria provided, single submitter. Criteria: GeneDx Variant Classification Process June 2021. Collection method: clinical testing. Allele origin: germline. Affected: yes.
Comment: Not observed in large population cohorts (gnomAD); In silico analysis supports that this missense variant does not alter protein structure/function; Has not been previously published as pathogenic or benign to our knowledge